The following is an entry in ClinVar:

ClinVar aggregate classification (germline): Uncertain significance. Review status: criteria provided, multiple submitters, no conflicts (2 of 4 stars). 3 submissions from 3 submitters: Uncertain significance (3). Last evaluated 2024-03-19.

Conditions:
Inborn genetic diseases. Identifiers: MedGen C0950123, MeSH D030342.
Proteinuria, chronic benign. Identifiers: MedGen C5394384, MONDO:0030042, OMIM 618884.
Imerslund-Grasbeck syndrome type 1 (IGS1). Also called: Megaloblastic anemia 1, Finnish type; Imerslund-Gräsbeck syndrome 1; MEGALOBLASTIC ANEMIA, 1. Identifiers: MedGen C4016819, MONDO:0100156, OMIM 261100.
Imerslund-Grasbeck syndrome. Also called: ENTEROCYTE COBALAMIN MALABSORPTION; ENTEROCYTE INTRINSIC FACTOR RECEPTOR, DEFECT OF; Imerslund-Gräsbeck syndrome; Megaloblastic anemia due to inborn errors of metabolism; PERNICIOUS ANEMIA, JUVENILE, DUE TO SELECTIVE INTESTINAL MALABSORPTION OF VITAMIN B12, WITH PROTEINURIA. Identifiers: Orphanet 35858, MedGen C4551825, MONDO:0009853.

Allele frequency attached by ClinVar (database versions not stated): gnomAD 0.00005 and 0.00006; TOPMed 0.00005; ExAC 0.00011; 1000 Genomes Project 0.00040; 1000 Genomes Project 30x 0.00031.
gnomAD v4.1: 29 of 1,614,136 alleles (0.0018%); highest among the groups gnomAD compares: East Asian, 0.065%; no homozygotes.

Submissions (3):

Fulgent Genetics
Classification: Uncertain significance for Imerslund-Grasbeck syndrome type 1; Proteinuria, chronic benign. Last evaluated: 2024-03-19. Review status: criteria provided, single submitter. Criteria: ACMG Guidelines, 2015. Collection method: clinical testing. Allele origin: germline.

Ambry Genetics
Classification: Uncertain significance for Inborn genetic diseases. Last evaluated: 2023-11-21. Review status: criteria provided, single submitter. Criteria: Ambry Variant Classification Scheme 2023. Collection method: clinical testing. Allele origin: germline.

Labcorp Genetics (formerly Invitae), Labcorp
Classification: Uncertain significance for Imerslund-Grasbeck syndrome. Last evaluated: 2023-07-10. Review status: criteria provided, single submitter. Criteria: Invitae Variant Classification Sherloc (09022015). Collection method: clinical testing. Allele origin: germline.
Comment: This variant is present in population databases (rs201251467, gnomAD 0.1%). This sequence change replaces proline, which is neutral and non-polar, with serine, which is neutral and polar, at codon 1474 of the CUBN protein (p.Pro1474Ser). This variant has not been reported in the literature in individuals affected with CUBN-related conditions. In summary, the available evidence is currently insufficient to determine the role of this variant in disease. Therefore, it has been classified as a Variant of Uncertain Significance. Advanced modeling of protein sequence and biophysical properties (such as structural, functional, and spatial information, amino acid conservation, physicochemical variation, residue mobility, and thermodynamic stability) has been performed at Invitae for this missense variant, however the output from this modeling did not meet the statistical confidence thresholds required to predict the impact of this variant on CUBN protein function. ClinVar contains an entry for this variant (Variation ID: 933743).

NM_001081.4(CUBN):c.4420C>T (p.Pro1474Ser)

Gene: CUBN (cubilin; minus strand). Cytogenetic location: 10p13.
Variant type: single nucleotide variant.
Coding change: c.4420C>T on transcript NM_001081.4 (MANE Select); coding-DNA position 4420, C replaced by T.
Protein change: p.Pro1474Ser; replaces proline 1474 with serine.
Molecular consequence: missense variant.
Genome position (GRCh38, 1-based): chr10:16,984,210, G>A on the plus strand (C>T on the coding strand, the complement: CUBN is on the minus strand). VCF-style: chr10-16984210-G-A. GRCh37 (hg19) VCF-style: chr10-17026209-G-A.
Other names: short protein forms P1474S.
Identifiers: ClinVar variation 933743 (VCV000933743.13), dbSNP rs201251467, ClinGen allele CA5424386.